The following is an entry in ClinVar:

ClinVar aggregate classification (germline): Pathogenic (0 of 4 stars; one submission).

Conditions:
Alkaptonuria (AKU). Also called: Alkaptonuric ochronosis; Homogentisic acidura; Alcaptonuria; HOMOGENTISIC ACID OXIDASE DEFICIENCY. Identifiers: Orphanet 56, MedGen C0002066, MONDO:0008753, OMIM 203500.

Allele frequency attached by ClinVar (database versions not stated): gnomAD exomes below 0.00001; TOPMed 0.00001.
gnomAD v4.1: 1 of 1,614,134 alleles (0.000062%); highest among the groups gnomAD compares: Non-Finnish European, 0.000085%; no homozygotes.

Submission:

Department Of Human Genetics, Institute Of Clinical And Translational Research, Biomedical Research Center, Slovak Academy Of Sciences
Classification: Pathogenic for Alkaptonuria. Review status: no assertion criteria provided. Collection method: research. Allele origin: germline. Inheritance: Autosomal recessive inheritance. Affected: yes. Observed: 1 variant allele.
Comment: The variant was originally described in AKU patient in PMID:25804398. It has been submitted to the HGD gene mutation database (DB-ID: AKU_00154).

Literature cited by the submitters: PubMed 25804398.

NM_000187.4(HGD):c.1057A>C (p.Lys353Gln)

Gene: HGD (homogentisate 1,2-dioxygenase; minus strand). Cytogenetic location: 3q13.33.
Variant type: single nucleotide variant.
Coding change: c.1057A>C on transcript NM_000187.4 (MANE Select); coding-DNA position 1057, A replaced by C.
Protein change: p.Lys353Gln; replaces lysine 353 with glutamine.
Molecular consequence: missense variant.
Genome position (GRCh38, 1-based): chr3:120,633,278, T>G on the plus strand (A>C on the coding strand, the complement: HGD is on the minus strand). VCF-style: chr3-120633278-T-G. GRCh37 (hg19) VCF-style: chr3-120352125-T-G.
Other names: short protein forms K353Q.
Identifiers: ClinVar variation 2627690 (VCV002627690.1), dbSNP rs1274142542, ClinGen allele CA354072927.